The following is an entry in ClinVar:

NM_005677.4(COLQ):c.1061G>A (p.Trp354Ter)

Gene: COLQ (collagen like tail subunit of asymmetric acetylcholinesterase; minus strand). Cytogenetic location: 3p25.1.
Variant type: single nucleotide variant.
Coding change: c.1061G>A on transcript NM_005677.4 (MANE Select); coding-DNA position 1061, G replaced by A.
Protein change: p.Trp354Ter; replaces tryptophan 354 with a stop codon.
Molecular consequence: nonsense.
Genome position (GRCh38, 1-based): chr3:15,456,473, C>T on the plus strand (G>A on the coding strand, the complement: COLQ is on the minus strand). VCF-style: chr3-15456473-C-T. GRCh37 (hg19) VCF-style: chr3-15497980-C-T.
Other names: NM_080539.4:c.959G>A; c.1031G>A, p.Trp344Ter (NM_080538.2); c.959G>A, p.Trp320Ter (NM_080539.4); short protein forms W320*, W344*, W354*.
Identifiers: ClinVar variation 1679827 (VCV001679827.1), dbSNP rs2125086401, ClinGen allele CA351596683.

ClinVar aggregate classification (germline): Pathogenic (1 of 4 stars; one submission).

Conditions:
Congenital myasthenic syndrome 5. Identifiers: Orphanet 590, MedGen C1864233, MONDO:0011281, OMIM 603034.

Allele frequency attached by ClinVar (database versions not stated): gnomAD exomes below 0.00001.
gnomAD v4.1: 2 of 1,614,134 alleles (0.00012%); highest among the groups gnomAD compares: South Asian, 0.0011%; no homozygotes.

Submission:

Broad Center for Mendelian Genomics, Broad Institute of MIT and Harvard
Classification: Pathogenic for Congenital myasthenic syndrome 5. Last evaluated: 2022-05-04. Review status: criteria provided, single submitter. Criteria: ACMG Guidelines, 2015. Collection method: curation. Allele origin: germline. Inheritance: Autosomal recessive inheritance.
Comment: The variant has not been previously reported in individuals with congenital myasthenic syndrome 5 and was absent from large population studies. This nonsense variant leads to a premature termination codon at position 354, which is predicted to lead to a truncated or absent protein. Loss of function of the COLQ gene is an established disease mechanism in autosomal recessive congenital myasthenic syndrome 5. In summary, this variant meets criteria to be classified as pathogenic for congenital myasthenic syndrome 5 in an autosomal recessive manner based on the predicted loss of function effect and absence of this variant from large population studies. ACMG/AMP Criteria applied: PVS1, PM2, PM3_supporting (Richards 2015).